The following is an entry in ClinVar:

NM_000384.3(APOB):c.10560C>T (p.Tyr3520=)

Gene: APOB (apolipoprotein B; minus strand). Cytogenetic location: 2p24.1.
Variant type: single nucleotide variant.
Coding change: c.10560C>T on transcript NM_000384.3 (MANE Select); coding-DNA position 10560, C replaced by T.
Protein change: p.Tyr3520=; no amino-acid change (tyrosine 3520 retained).
Molecular consequence: synonymous variant.
Genome position (GRCh38, 1-based): chr2:21,006,308, G>A on the plus strand (C>T on the coding strand, the complement: APOB is on the minus strand). VCF-style: chr2-21006308-G-A. GRCh37 (hg19) VCF-style: chr2-21229180-G-A.
Identifiers: ClinVar variation 759903 (VCV000759903.11), dbSNP rs140768269, ClinGen allele CA044064.

ClinVar aggregate classification (germline): Likely benign. Review status: criteria provided, multiple submitters, no conflicts (2 of 4 stars). 3 submissions from 3 submitters: Likely benign (3). Last evaluated 2025-01-09.

Conditions:
Familial hypobetalipoproteinemia 1. Also called: Hypobetalipoproteinemia, normotriglyceridemic; Acanthocytosis with hypobetalipoproteinemia; APOB-Related Familial Hypobetalipoproteinemia. Identifiers: MedGen C4551990, MONDO:0014252, OMIM 615558.
Hypercholesterolemia, autosomal dominant, type B (FHCL2). Also called: HYPERCHOLESTEROLEMIA, FAMILIAL, DUE TO LIGAND-DEFECTIVE APOLIPOPROTEIN B; Familial hypercholesterolemia 2; APOB-Related Familial Hypercholesterolemia, Autosomal Dominant; Familial Hypercholesterolemia Type B; APOLIPOPROTEIN B-100, FAMILIAL DEFECTIVE; APOLIPOPROTEIN B-100, FAMILIAL LIGAND-DEFECTIVE. Identifiers: MedGen C1704417, MONDO:0007751, OMIM 144010.
Familial hypercholesterolemia. Also called: Familial hypercholesterolemias; Familial hypercholesterolaemia. Identifiers: MedGen C0020445, MONDO:0005439.
Cardiovascular phenotype. Identifiers: MedGen CN230736.

Allele frequency attached by ClinVar (database versions not stated): gnomAD exomes below 0.00001; ExAC 0.00001; ESP Exome Variant Server 0.00008.
gnomAD v4.1: 2 of 1,614,058 alleles (0.00012%); highest among the groups gnomAD compares: Non-Finnish European, 0.00017%; no homozygotes.

Submissions (3):

GENinCode PLC
Classification: Likely benign for Familial hypercholesterolemia. Last evaluated: 2025-01-09. Review status: criteria provided, single submitter. Criteria: ACMG Guidelines, 2015. Collection method: clinical testing. Allele origin: germline.
Comment: This is a synonymous (silent) variant that is not predicted to impact splicing and occurs at a nucleotide which is not highly conserved. This variant has been classified as Likely Benign (BP4, BP7).

Ambry Genetics
Classification: Likely benign for Cardiovascular phenotype. Last evaluated: 2021-09-07. Review status: criteria provided, single submitter. Criteria: Ambry Variant Classification Scheme 2023. Collection method: clinical testing. Allele origin: germline.

Labcorp Genetics (formerly Invitae), Labcorp
Classification: Likely benign for Familial hypobetalipoproteinemia 1; Hypercholesterolemia, autosomal dominant, type B. Last evaluated: 2018-06-29. Review status: criteria provided, single submitter. Criteria: Invitae Variant Classification Sherloc (09022015). Collection method: clinical testing. Allele origin: germline.